The following is an entry in ClinVar:

ClinVar aggregate classification (germline): Likely pathogenic. Review status: criteria provided, multiple submitters, no conflicts (2 of 4 stars). 2 submissions from 2 submitters: Likely pathogenic (2). Last evaluated 2025-04-19.

Conditions:
Dilated cardiomyopathy 1G (CMD1G). Identifiers: Orphanet 154, MedGen C1858763, MONDO:0011400, OMIM 604145.
Autosomal recessive limb-girdle muscular dystrophy type 2J (LGMDR10). Also called: Limb-girdle muscular dystrophy, type 2J; MUSCULAR DYSTROPHY, LIMB-GIRDLE, AUTOSOMAL RECESSIVE 10. Identifiers: Orphanet 140922, MedGen C1837342, MONDO:0012127, OMIM 608807.

Submissions (2):

Dasa
Classification: Likely pathogenic. Last evaluated: 2025-04-19. Review status: criteria provided, single submitter. Criteria: DASA Assertion Criteria. Collection method: clinical testing. Allele origin: germline.
Comment: NM_001267550.2(TTN):c.82822G>T (p.Glu27608*) is a nonsense variant in TTN predicted to introduce a premature termination codon and is predicted to result in an absent or altered protein product. Loss of function is an established disease mechanism for TTN-associated disorders. Also, this variant is absent from population databases. Based on the currently available evidence, this variant is classified as likely pathogenic.

Labcorp Genetics (formerly Invitae), Labcorp
Classification: Likely pathogenic for Dilated cardiomyopathy 1G; Autosomal recessive limb-girdle muscular dystrophy type 2J. Last evaluated: 2020-10-20. Review status: criteria provided, single submitter. Criteria: Invitae Variant Classification Sherloc (09022015). Collection method: clinical testing. Allele origin: germline.
Comment: This sequence change results in a premature translational stop signal in the TTN gene (p.Glu27608*). While this is not anticipated to result in nonsense mediated decay, it is expected to create a truncated TTN protein. This variant is not present in population databases (ExAC no frequency). This variant has not been reported in the literature in individuals with TTN-related conditions. This variant is located in the A band of TTN (PMID: 25589632). Truncating variants in this region are significantly overrepresented in patients affected with dilated cardiomyopathy (PMID: 25589632). Truncating variants in this region have also been reported in individuals affected with autosomal recessive centronuclear myopathy (PMID: 23975875). In summary, the currently available evidence indicates that the variant is pathogenic, but additional data are needed to prove that conclusively. Therefore, this variant has been classified as Likely Pathogenic.

Literature cited by the submitters: PubMed 25589632 (cited by Labcorp Genetics (formerly Invitae), Labcorp); PubMed 23975875 (cited by Labcorp Genetics (formerly Invitae), Labcorp).

NM_001267550.2(TTN):c.82822G>T (p.Glu27608Ter)

Genes: TTN (titin; minus strand), TTN-AS1 (TTN antisense RNA 1; plus strand). Cytogenetic location: 2q31.2.
Variant type: single nucleotide variant.
Coding change: c.82822G>T on transcript NM_001267550.2 (MANE Select); coding-DNA position 82822, G replaced by T.
Protein change: p.Glu27608Ter; replaces glutamic acid 27608 with a stop codon.
Molecular consequence: nonsense.
Genome position (GRCh38, 1-based): chr2:178,563,310, C>A on the plus strand (G>T on the coding strand, the complement: TTN is on the minus strand). VCF-style: chr2-178563310-C-A. GRCh37 (hg19) VCF-style: chr2-179428037-C-A.
Other names: c.77899G>T, p.Glu25967Ter (NM_001256850.1); c.55627G>T, p.Glu18543Ter (NM_003319.4); c.75118G>T, p.Glu25040Ter (NM_133378.4); c.56002G>T, p.Glu18668Ter (NM_133432.3); c.56203G>T, p.Glu18735Ter (NM_133437.4); short protein forms E25040*, E27608*, E18668*, E25967*, E18543*, E18735*.
Identifiers: ClinVar variation 956563 (VCV000956563.12), dbSNP rs1704361187, ClinGen allele CA349571321.